The following is an entry in ClinVar:

NM_145649.5(GCNT2):c.*2452G>C

Gene: GCNT2 (glucosaminyl (N-acetyl) transferase 2 (I blood group); plus strand). Cytogenetic location: 6p24.2.
Variant type: single nucleotide variant.
Coding change: c.*2452G>C on transcript NM_145649.5 (MANE Select); 2452 bases downstream of the stop codon, G replaced by C.
Molecular consequence: 3 prime UTR variant.
Genome position (GRCh38, 1-based): chr6:10,629,059, G>C. VCF-style: chr6-10629059-G-C. GRCh37 (hg19) VCF-style: chr6-10629292-G-C.
Other names: c.*2452G>C (NM_001374747.1, NM_001491.3, NM_145655.4).
Identifiers: ClinVar variation 354738 (VCV000354738.5), dbSNP rs114854786, ClinGen allele CA10622528.
Genomic context (GRCh38, chr6:10,629,059, plus strand): 5'-GTGACAGAGCGAGACTTTGTCCCAAAACAAAATAGGTGAGGGGATAGCGAATGCACTCAG[G>C]GTCAGCAGTGGAGTTTAAAAATTGTCTCTTTTCAACTTATTTAAATGACAGCACCTGAGA-3'

ClinVar aggregate classification (germline): Benign (1 of 4 stars; one submission).

Conditions:
Blood group, I system (Ii). Identifiers: MedGen C0020717, OMIM 110800.

Allele frequency attached by ClinVar (database versions not stated): 1000 Genomes Project 0.00879; 1000 Genomes Project 30x 0.00921; gnomAD 0.01018 and 0.01106; TOPMed 0.01171.

Submission:

Illumina Laboratory Services, Illumina
Classification: Benign for Blood group, I system. Last evaluated: 2018-01-13. Review status: criteria provided, single submitter. Criteria: ICSL Variant Classification Criteria 13 December 2019. Collection method: clinical testing. Allele origin: germline.
Comment: This variant was observed in the ICSL laboratory as part of a predisposition screen in an ostensibly healthy population. It had not been previously curated by ICSL or reported in the Human Gene Mutation Database (HGMD: prior to June 1st, 2018), and was therefore a candidate for classification through an automated scoring system. Utilizing variant allele frequency, disease prevalence and penetrance estimates, and inheritance mode, an automated score was calculated to assess if this variant is too frequent to cause the disease. Based on the score and internal cut-off values, a variant classified as benign is not then subjected to further curation. The score for this variant resulted in a classification of benign for this disease.